The following is an entry in ClinVar:

ClinVar aggregate classification (germline): Uncertain significance. Review status: criteria provided, multiple submitters, no conflicts (2 of 4 stars). 2 submissions from 2 submitters: Uncertain significance (2). Last evaluated 2025-12-07.

Conditions:
Inborn genetic diseases. Identifiers: MedGen C0950123, MeSH D030342.

Allele frequency attached by ClinVar (database versions not stated): gnomAD exomes 0.00001.

Submissions (2):

Labcorp Genetics (formerly Invitae), Labcorp
Classification: Uncertain significance. Last evaluated: 2025-12-07. Review status: criteria provided, single submitter. Criteria: Invitae Variant Classification Sherloc (09022015). Collection method: clinical testing. Allele origin: germline.
Comment: This sequence change replaces alanine, which is neutral and non-polar, with aspartic acid, which is acidic and polar, at codon 1195 of the SAMD9 protein (p.Ala1195Asp). This variant is not present in population databases (gnomAD no frequency). This variant has not been reported in the literature in individuals affected with SAMD9-related conditions. ClinVar contains an entry for this variant (Variation ID: 1720916). Invitae Evidence Modeling of protein sequence and biophysical properties (such as structural, functional, and spatial information, amino acid conservation, physicochemical variation, residue mobility, and thermodynamic stability) indicates that this missense variant is not expected to disrupt SAMD9 protein function with a negative predictive value of 95%. In summary, the available evidence is currently insufficient to determine the role of this variant in disease. Therefore, it has been classified as a Variant of Uncertain Significance.

Ambry Genetics
Classification: Uncertain significance for Inborn genetic diseases. Last evaluated: 2025-05-25. Review status: criteria provided, single submitter. Criteria: Ambry Variant Classification Scheme 2023. Collection method: clinical testing. Allele origin: germline.
Comment: The p.A1195D variant (also known as c.3584C>A), located in coding exon 1 of the SAMD9 gene, results from a C to A substitution at nucleotide position 3584. The alanine at codon 1195 is replaced by aspartic acid, an amino acid with dissimilar properties. This amino acid position is conserved. In addition, this alteration is predicted to be tolerated by in silico analysis. Based on the available evidence, the clinical significance of this variant remains unclear.

NM_017654.4(SAMD9):c.3584C>A (p.Ala1195Asp)

Gene: SAMD9 (sterile alpha motif domain containing 9; minus strand). Cytogenetic location: 7q21.2.
Variant type: single nucleotide variant.
Coding change: c.3584C>A on transcript NM_017654.4 (MANE Select); coding-DNA position 3584, C replaced by A.
Protein change: p.Ala1195Asp; replaces alanine 1195 with aspartic acid.
Molecular consequence: missense variant.
Genome position (GRCh38, 1-based): chr7:93,102,514, G>T on the plus strand (C>A on the coding strand, the complement: SAMD9 is on the minus strand). VCF-style: chr7-93102514-G-T. GRCh37 (hg19) VCF-style: chr7-92731827-G-T.
Other names: c.3584C>A, p.Ala1195Asp (NM_001193307.2); c.3584C>A (NM_017654.3); short protein forms A1195D.
Identifiers: ClinVar variation 1720916 (VCV001720916.6), dbSNP rs1791551314, ClinGen allele CA368184236.